The following is an entry in ClinVar:

ClinVar aggregate classification (germline): Likely pathogenic (1 of 4 stars; one submission).

Submission:

Mayo Clinic Laboratories, Mayo Clinic
Classification: Likely pathogenic. Last evaluated: 2023-09-20. Review status: criteria provided, single submitter. Criteria: ACMG Guidelines, 2015. Collection method: clinical testing. Allele origin: germline. Observed: 1 variant allele.
Comment: PM2_moderate, PVS1

NM_000037.4(ANK1):c.473del (p.Asn158fs)

Genes: ANK1 (ankyrin 1; minus strand), LOC124153154 (Sharpr-MPRA regulatory region 1462; plus strand). Cytogenetic location: 8p11.21.
Variant type: Deletion.
Coding change: c.473del on transcript NM_000037.4 (MANE Select); coding-DNA position 473, one base deleted (A; older notation c.473delA).
Protein change: p.Asn158fs; shifts the reading frame from asparagine 158.
Molecular consequence: frameshift variant.
Genome position (GRCh38, 1-based): chr8:41,725,900, T deleted on the plus strand (A on the coding strand, the reverse complement: ANK1 is on the minus strand); the first of 2 consecutive T bases (chr8:41,725,900-41,725,901); deleting either gives the same sequence. VCF-style (leftmost placement, unchanged base first): chr8-41725899-GT-G. GRCh37 (hg19) VCF-style: chr8-41583417-GT-G.
Other names: p.Asn158Thrfs*95; c.572del, p.Asn191fs (NM_001142446.2); c.473del, p.Asn158fs (NM_020475.3, NM_020476.3, NM_020477.3); short protein forms N158fs, N191fs.
Identifiers: ClinVar variation 3381043 (VCV003381043.1).